The following is an entry in ClinVar:

NM_001283009.2(RTEL1):c.3451G>T (p.Glu1151Ter)

Genes: RTEL1 (regulator of telomere elongation helicase 1; plus strand), RTEL1-TNFRSF6B (RTEL1-TNFRSF6B readthrough (NMD candidate); plus strand). Cytogenetic location: 20q13.33.
Variant type: single nucleotide variant.
Coding change: c.3451G>T on transcript NM_001283009.2 (MANE Select); coding-DNA position 3451, G replaced by T.
Protein change: p.Glu1151Ter; replaces glutamic acid 1151 with a stop codon.
Molecular consequence: nonsense. On other transcripts: non-coding transcript variant (1).
Genome position (GRCh38, 1-based): chr20:63,695,173, G>T. VCF-style: chr20-63695173-G-T. GRCh37 (hg19) VCF-style: chr20-62326526-G-T.
Other names: c.2782G>T, p.Glu928Ter (NM_001283010.1); c.3451G>T, p.Glu1151Ter (NM_016434.4); c.3523G>T, p.Glu1175Ter (NM_032957.5); short protein forms E1151*, E1175*, E928*.
Identifiers: ClinVar variation 4816355 (VCV004816355.1).

ClinVar aggregate classification (germline): Likely pathogenic (1 of 4 stars; one submission).

Conditions:
Dyskeratosis congenita. Identifiers: Orphanet 1775, MedGen C0265965, MONDO:0015780.

Submission:

Natera, Inc.
Classification: Likely pathogenic for Dyskeratosis congenita. Last evaluated: 2025-10-27. Review status: criteria provided, single submitter. Criteria: Natera Variant Classification Schema (03/2026). Collection method: clinical testing. Allele origin: germline.
Comment: The c.3523G>T variant in RTEL1 is a nonsense variant predicted to introduce a stop codon at amino acid 1175. This variant is expected to result in nonsense mediated decay, truncation, or a dysfunctional protein product. This variant is rare in the general population with a frequency below the threshold expected for the associated phenotype(s). Given the available evidence, this variant is classified as Likely Pathogenic.